The following is an entry in ClinVar:

NM_002796.3(PSMB4):c.632G>A (p.Arg211His)

Gene: PSMB4 (proteasome 20S subunit beta 4; plus strand). Cytogenetic location: 1q21.3.
Variant type: single nucleotide variant.
Coding change: c.632G>A on transcript NM_002796.3 (MANE Select); coding-DNA position 632, G replaced by A.
Protein change: p.Arg211His; replaces arginine 211 with histidine.
Molecular consequence: missense variant.
Genome position (GRCh38, 1-based): chr1:151,401,294, G>A. VCF-style: chr1-151401294-G-A. GRCh37 (hg19) VCF-style: chr1-151373770-G-A.
Other names: short protein forms R211H.
Identifiers: ClinVar variation 1449145 (VCV001449145.8), dbSNP rs546112706, ClinGen allele CA1090732.
Genomic context (GRCh38, chr1:151,401,294, plus strand): 5'-CCTAGCCTCTGCTGCGAGAAGTTCTGGAGAAGCAGCCAGTGCTAAGCCAGACCGAGGCCC[G>A]CGACTTAGTAGAACGCTGCATGCGAGTGCTGTACTACCGAGATGCCCGTTCTTACAACCG-3'
Protein context (NP_002787.2, residues 201-221): KQPVLSQTEA[Arg211His]DLVERCMRVL

ClinVar aggregate classification (germline): Uncertain significance (1 of 4 stars; one submission).

Allele frequency attached by ClinVar (database versions not stated): ExAC 0.00002; gnomAD exomes 0.00002 and 0.00003; gnomAD 0.00003 and 0.00004.

Submission:

Labcorp Genetics (formerly Invitae), Labcorp
Classification: Uncertain significance. Last evaluated: 2025-08-24. Review status: criteria provided, single submitter. Criteria: Invitae Variant Classification Sherloc (09022015). Collection method: clinical testing. Allele origin: germline.
Comment: This sequence change replaces arginine, which is basic and polar, with histidine, which is basic and polar, at codon 211 of the PSMB4 protein (p.Arg211His). This variant is present in population databases (rs546112706, gnomAD 0.01%). This variant has not been reported in the literature in individuals affected with PSMB4-related conditions. ClinVar contains an entry for this variant (Variation ID: 1449145). An algorithm developed to predict the effect of missense changes on protein structure and function (PolyPhen-2) suggests that this variant is likely to be tolerated. In summary, the available evidence is currently insufficient to determine the role of this variant in disease. Therefore, it has been classified as a Variant of Uncertain Significance.